The following is an entry in ClinVar:

NM_000069.3(CACNA1S):c.694+5G>T

Gene: CACNA1S (calcium voltage-gated channel subunit alpha1 S; minus strand). Cytogenetic location: 1q32.1.
Variant type: single nucleotide variant.
Coding change: c.694+5G>T on transcript NM_000069.3 (MANE Select); 5 bases into the intron after coding-DNA position 694, G replaced by T.
Molecular consequence: intron variant.
Genome position (GRCh38, 1-based): chr1:201,091,635, C>A on the plus strand (G>T on the coding strand, the complement: CACNA1S is on the minus strand). VCF-style: chr1-201091635-C-A. GRCh37 (hg19) VCF-style: chr1-201060763-C-A.
Identifiers: ClinVar variation 3073827 (VCV003073827.1), dbSNP rs2464622936, ClinGen allele CA2649754420.
Genomic context (GRCh38, chr1:201,091,635, plus strand): 5'-GGTGGCTCCCCCTTCTGAGCCATCCTAGGCCCTGCCCCACAGCCCCACTTTCCCTGGGAG[C>A]TCACCTGTACCAATGAAGTAGCAGGTCTTGTGCATCTTGCCCTTGAAGAGCTCCAGCCCG-3'

ClinVar aggregate classification (germline): Uncertain significance (1 of 4 stars; one submission).

Conditions:
Malignant hyperthermia, susceptibility to, 5 (MHS5). Also called: CACNA1S-Related Malignant Hyperthermia Susceptibility. Identifiers: Orphanet 423, MedGen C1866077, MONDO:0011163, OMIM 601887.

Allele frequency attached by ClinVar (database versions not stated): gnomAD exomes below 0.00001.
gnomAD v4.1: 1 of 1,614,192 alleles (0.000062%); highest among the groups gnomAD compares: South Asian, 0.0011%; no homozygotes.

Submission:

All of Us Research Program, National Institutes of Health
Classification: Uncertain significance for Malignant hyperthermia, susceptibility to, 5. Last evaluated: 2023-10-06. Review status: criteria provided, single submitter. Criteria: ACMG Guidelines, 2015. Collection method: clinical testing. Allele origin: germline. Inheritance: Autosomal dominant inheritance. Observed: 1 variant allele, 1 heterozygote.
Comment: This variant causes a G to T nucleotide substitution at the +5 position of intron 5 of the CACNA1S gene. Splice site prediction tools predict that this variant may have a significant impact on RNA splicing. To our knowledge, functional studies have not been reported for this variant. This variant has not been reported in individuals affected with CACNA1S-related disorders in the literature. This variant has not been identified in the general population by the Genome Aggregation Database (gnomAD). The available evidence is insufficient to determine the role of this variant in disease conclusively. Therefore, this variant is classified as a Variant of Uncertain Significance.

This study involves interpretation of variants in research participants for the purpose of population health screening. Participant phenotype was not available at the time of variant classification. Additional details can be found in publication PMID: 35346344, PMCID: PMC8962531